The following is an entry in ClinVar:

ClinVar aggregate classification (germline): Likely benign (1 of 4 stars; one submission).

Allele frequency attached by ClinVar (database versions not stated): ExAC 0.00378; gnomAD 0.00473; ESP Exome Variant Server 0.00500; 1000 Genomes Project 0.00519; 1000 Genomes Project 30x 0.00547; TOPMed 0.00559.
gnomAD v4.1: 4,858 of 1,611,598 alleles (0.3%); highest among the groups gnomAD compares: Middle Eastern, 2.5%; 28 homozygotes.

Submission:

CeGaT Center for Human Genetics Tuebingen
Classification: Likely benign. Last evaluated: 2023-03-01. Review status: criteria provided, single submitter. Criteria: CeGaT Center For Human Genetics Tuebingen Variant Classification Criteria Version 2. Collection method: clinical testing. Allele origin: germline. Affected: yes. Observed: 1 variant allele.
Comment: COBL: BP4, BP7, BS2

NM_015198.5(COBL):c.3729C>T (p.Asp1243=)

Gene: COBL (cordon-bleu WH2 repeat protein; minus strand). Cytogenetic location: 7p12.1.
Variant type: single nucleotide variant.
Coding change: c.3729C>T on transcript NM_015198.5 (MANE Select); coding-DNA position 3729, C replaced by T.
Protein change: p.Asp1243=; no amino-acid change (aspartic acid 1243 retained).
Molecular consequence: synonymous variant. On other transcripts: intron variant (2).
Genome position (GRCh38, 1-based): chr7:51,025,148, G>A on the plus strand (C>T on the coding strand, the complement: COBL is on the minus strand). VCF-style: chr7-51025148-G-A. GRCh37 (hg19) VCF-style: chr7-51092845-G-A.
Other names: c.3759C>T, p.Asp1253= (NM_001287436.3); c.3588C>T, p.Asp1196= (NM_001346442.2); c.3975C>T, p.Asp1325= (NM_001410881.1); c.3504+1398C>T (NM_001346443.2); c.3675+1398C>T (NM_001346441.2).
Identifiers: ClinVar variation 2657504 (VCV002657504.24), dbSNP rs146319427, ClinGen allele CA4263215.